The following is an entry in ClinVar:

ClinVar aggregate classification (germline): Benign (0 of 4 stars; one submission).

Conditions:
Autism (AUTS). Also called: Autistic disorder of childhood onset; Autistic disorder. Identifiers: MedGen C0004352, MeSH D001321, MONDO:0005260, OMIM 209850, HP:0000717.

gnomAD v4.1: 1 of 1,614,088 alleles (0.000062%); highest among the groups gnomAD compares: South Asian, 0.0011%; no homozygotes.

Submission:

Laboratorio de Genetica Humana; Universidad de los Andes
Classification: Benign for Autism. Last evaluated: 2013-10-01. Review status: no assertion criteria provided. Collection method: research. Allele origin: de novo. Inheritance: Autosomal unknown. Affected: yes.
Comment: De novo novel variant using whole exome sequencing in an ASD study in Colombian population

NM_006186.4(NR4A2):c.357G>T (p.Ser119=)

Gene: NR4A2 (nuclear receptor subfamily 4 group A member 2; minus strand). Cytogenetic location: 2q24.1.
Variant type: single nucleotide variant.
Coding change: c.357G>T on transcript NM_006186.4 (MANE Select); coding-DNA position 357, G replaced by T.
Protein change: p.Ser119=; no amino-acid change (serine 119 retained).
Molecular consequence: synonymous variant.
Genome position (GRCh38, 1-based): chr2:156,329,830, C>A on the plus strand (G>T on the coding strand, the complement: NR4A2 is on the minus strand). VCF-style: chr2-156329830-C-A. GRCh37 (hg19) VCF-style: chr2-157186342-C-A.
Other names: c.168G>T, p.Ser56= (NM_173173.3).
Identifiers: ClinVar variation 212706 (VCV000212706.1), dbSNP rs797046133, ClinGen allele CA277455.